The following is an entry in ClinVar:

ClinVar aggregate classification (germline): Conflicting classifications of pathogenicity. Review status: criteria provided, conflicting classifications (1 of 4 stars). 2 submissions from 2 submitters: Likely pathogenic (1); Uncertain significance (1). Last evaluated 2019-05-28.

Conditions:
Seizures, benign familial neonatal, 1. Also called: KCNQ2-Related Self-Limited Familial Neonatal Epilepsy (SLFNE); Seizures, benign neonatal, 1; Benign Neonatal Epilepsy 1; KCNQ2-Related Benign Familial Neonatal Epilepsy. Identifiers: Orphanet 1949, MedGen C3149074, MONDO:0007365, OMIM 121200.

Submissions (2):

Mendelics
Classification: Likely pathogenic for Seizures, benign familial neonatal, 1. Last evaluated: 2019-05-28. Review status: criteria provided, single submitter. Criteria: Mendelics Assertion Criteria 2017. Collection method: clinical testing. Allele origin: unknown.

GeneDx
Classification: Uncertain significance. Last evaluated: 2013-01-18. Review status: criteria provided, single submitter. Criteria: GeneDx Variant Classification (06012015). Collection method: clinical testing. Allele origin: germline. Affected: yes.
Comment: p.Gly239Val (GGC>GTC): c.716 G>T in exon 5 of the KCNQ2 gene (NM_172107.2)The Gly239Val missense change has not been published as a mutation, nor has it been reported as a benign polymorphism to our knowledge. The NHLBI ESP Exome Variant Project has not identified Gly239Val in approximately 6,500 individuals of European or African American ethnicity, indicating that it is not a common benign variant in these populations. The amino acid substitution is conservative, as Glycine and Valine are both uncharged, non-polar amino acid residues. However, Gly239Val alters a highly conserved position in the S5 transmembrane segment of the KCNQ2 protein, and other missense mutations in this region have been reported in association with benign familial neonatal seizures. Additionally, multiple in silico algorithms predict Gly239Val may be damaging to the structure/function of the protein. Therefore, based on the currently available information, it is unclear whether Gly239Val is a disease-causing mutation or a rare benign variant. The variant is found in INFANT-EPI panel(s).

NM_172107.4(KCNQ2):c.716G>T (p.Gly239Val)

Gene: KCNQ2 (potassium voltage-gated channel subfamily Q member 2; minus strand). Cytogenetic location: 20q13.33.
Variant type: single nucleotide variant.
Coding change: c.716G>T on transcript NM_172107.4 (MANE Select); coding-DNA position 716, G replaced by T.
Protein change: p.Gly239Val; replaces glycine 239 with valine.
Molecular consequence: missense variant.
Genome position (GRCh38, 1-based): chr20:63,442,506, C>A on the plus strand (G>T on the coding strand, the complement: KCNQ2 is on the minus strand). VCF-style: chr20-63442506-C-A. GRCh37 (hg19) VCF-style: chr20-62073859-C-A.
Other names: p.G239V:GGC>GTC; c.716G>T, p.Gly239Val (NM_004518.6, NM_172106.3, NM_172108.5 and 1 more transcripts); short protein forms G239V.
Identifiers: ClinVar variation 205877 (VCV000205877.3), dbSNP rs796052630, ClinGen allele CA315380.
Genomic context (GRCh38, chr20:63,442,506, plus strand): 5'-TCGTTCTCCCCCTTCTCTGCCAAGTACACCAGGAACGAGGCCAGGATGAGACAAAGGAAG[C>A]CGATGTACCAGGCAGTGACCAGCTCCTGAGAGGCAGACGGCACCACCATCATGACCACCA-3'
Protein context (NP_742105.1, residues 229-249): SKELVTAWYI[Gly239Val]FLCLILASFL